The following is an entry in ClinVar:

ClinVar aggregate classification (germline): Conflicting classifications of pathogenicity. Review status: criteria provided, conflicting classifications (1 of 4 stars). 2 submissions from 2 submitters: Uncertain significance (1); Likely benign (1). Last evaluated 2023-03-23.

Conditions:
Hereditary cancer-predisposing syndrome. Also called: Hereditary Cancer Syndrome; Hereditary neoplastic syndrome; Neoplastic Syndromes, Hereditary; Tumor predisposition. Identifiers: Orphanet 140162, MedGen C0027672, MeSH D009386, MONDO:0015356.
Hereditary breast ovarian cancer syndrome. Also called: BRCA1- and BRCA2-Associated Hereditary Breast and Ovarian Cancer; Hereditary breast and ovarian cancer; Hereditary breast and ovarian cancer syndrome (HBOC); Hereditary breast and/or ovarian cancer syndrome; Hereditary breast and ovarian cancer syndrome; Breast and ovarian cancer. Identifiers: Orphanet 145, MedGen C0677776, MeSH D061325, MONDO:0003582. Disease mechanism: loss of function.

Submissions (2):

University of Washington Department of Laboratory Medicine, University of Washington
Classification: Likely benign for Hereditary cancer-predisposing syndrome. Last evaluated: 2023-03-23. Review status: criteria provided, single submitter. Criteria: Dines et al. (Genet Med. 2020). Collection method: curation. Allele origin: germline.
Comment: Missense variant in a coldspot region where missense variants are very unlikely to be pathogenic (PMID:31911673).

BRCA2 exon 11 coldspot. Reclassification based on statistical prior probability.

Labcorp Genetics (formerly Invitae), Labcorp
Classification: Uncertain significance for Hereditary breast ovarian cancer syndrome. Last evaluated: 2021-12-02. Review status: criteria provided, single submitter. Criteria: Invitae Variant Classification Sherloc (09022015). Collection method: clinical testing. Allele origin: germline.
Comment: In summary, the available evidence is currently insufficient to determine the role of this variant in disease. Therefore, it has been classified as a Variant of Uncertain Significance. Advanced modeling of protein sequence and biophysical properties (such as structural, functional, and spatial information, amino acid conservation, physicochemical variation, residue mobility, and thermodynamic stability) performed at Invitae indicates that this missense variant is not expected to disrupt BRCA2 protein function. This variant has not been reported in the literature in individuals affected with BRCA2-related conditions. This variant is not present in population databases (gnomAD no frequency). This sequence change replaces glutamic acid, which is acidic and polar, with lysine, which is basic and polar, at codon 1213 of the BRCA2 protein (p.Glu1213Lys).

NM_000059.4(BRCA2):c.3637G>A (p.Glu1213Lys)

Gene: BRCA2 (BRCA2 DNA repair associated; plus strand). Cytogenetic location: 13q13.1.
Variant type: single nucleotide variant.
Coding change: c.3637G>A on transcript NM_000059.4 (MANE Select); coding-DNA position 3637, G replaced by A.
Protein change: p.Glu1213Lys; replaces glutamic acid 1213 with lysine.
Molecular consequence: missense variant.
Genome position (GRCh38, 1-based): chr13:32,337,992, G>A. VCF-style: chr13-32337992-G-A. GRCh37 (hg19) VCF-style: chr13-32912129-G-A.
Other names: short protein forms E1213K.
Identifiers: ClinVar variation 1450074 (VCV001450074.7), dbSNP rs1566228876, ClinGen allele CA387777924.